The following is an entry in ClinVar:

ClinVar aggregate classification (germline): Likely pathogenic. Review status: criteria provided, multiple submitters, no conflicts (2 of 4 stars). 5 submissions from 4 submitters: Likely pathogenic (5). Last evaluated 2024-03-21.

Conditions:
RASopathy. Also called: rasopathies; Noonan spectrum disorder. Identifiers: Orphanet 536391, MedGen C5555857, MONDO:0021060.
Autosomal recessive nonsyndromic hearing loss 4 (DFNB4). Also called: FOXI1-Related Pendred Syndrome; KCNJ10-Related Pendred Syndrome; DEAFNESS, AUTOSOMAL RECESSIVE 4, WITH ENLARGED VESTIBULAR AQUEDUCT, DIGENIC; Nonsyndromic enlarged vestibular aqueduct (NSEVA); Deafness, autosomal recessive 4, with enlarged vestibular aqueduct; NEUROSENSORY NONSYNDROMIC RECESSIVE DEAFNESS 4. Identifiers: Orphanet 90636, MedGen C3538946, MONDO:0010933, OMIM 600791.
Pendred syndrome (PDS). Also called: THYROID DYSHORMONOGENESIS 2B; THYROID HORMONOGENESIS, GENETIC DEFECT IN, 2B; Pendred's syndrome; DEAFNESS WITH GOITER; GOITER-DEAFNESS SYNDROME; HYPOTHYROIDISM, CONGENITAL, DUE TO DYSHORMONOGENESIS, 2B. Identifiers: Orphanet 705, MedGen C0271829, MONDO:0010134, OMIM 274600.

Allele frequency attached by ClinVar (database versions not stated): gnomAD exomes below 0.00001.
gnomAD v4.1: 2 of 1,613,162 alleles (0.00012%); highest among the groups gnomAD compares: Non-Finnish European, 0.00017%; no homozygotes.

Submissions (5):

Fulgent Genetics
Classification: Likely pathogenic for Pendred syndrome; Autosomal recessive nonsyndromic hearing loss 4. Last evaluated: 2024-03-21. Review status: criteria provided, single submitter. Criteria: ACMG Guidelines, 2015. Collection method: clinical testing. Allele origin: germline.

Women's Health and Genetics/Laboratory Corporation of America, LabCorp
Classification: Likely pathogenic for Pendred syndrome. Last evaluated: 2024-03-15. Review status: criteria provided, single submitter. Criteria: LabCorp Variant Classification Summary - May 2015. Collection method: clinical testing. Allele origin: germline.
Comment: Variant summary: SLC26A4 c.347G>T (p.Gly116Val) results in a non-conservative amino acid change located in the SLC26A/SulP transporter domain (IPR011547) of the encoded protein sequence. Five of five in-silico tools predict a damaging effect of the variant on protein function. The variant was absent in 251428 control chromosomes (gnomAD). c.347G>T has been reported in the literature in at least two homozygous individuals affected with nonsyndromic hearing loss (e.g., Babanejad_2012, Sloan-Heggen_2015). These data indicate that the variant is likely to be associated with disease. To our knowledge, no experimental evidence demonstrating an impact on protein function has been reported. The following publications have been ascertained in the context of this evaluation (PMID: 22903915, 26445815). ClinVar contains an entry for this variant (Variation ID: 1346580). Based on the evidence outlined above, the variant was classified as likely pathogenic.

Women's Health and Genetics/Laboratory Corporation of America, LabCorp
Classification: Likely pathogenic for RASopathy. Last evaluated: 2024-03-15. Review status: criteria provided, single submitter. Criteria: LabCorp Variant Classification Summary - May 2015. Collection method: clinical testing. Allele origin: germline.
Comment: Variant summary: CBL c.347G>T (p.Arg116Met) results in a non-conservative amino acid change located in the N-terminal helical domain (IPR003153) and PTB domain (IPR024159) of the encoded protein sequence. Four of five in-silico tools predict a damaging effect of the variant on protein function. The variant allele was found at a frequency of 4e-06 in 251424 control chromosomes (gnomAD). The available data on variant occurrences in the general population are insufficient to allow any conclusion about variant significance. To our knowledge, no occurrence of c.347G>T in individuals affected with Noonan Syndrome And Related Conditions and no experimental evidence demonstrating its impact on protein function have been reported. No clinical diagnostic laboratories have submitted clinical-significance assessments for this variant to ClinVar after 2014. Based on the evidence outlined above, the variant was classified as uncertain significance.

Labcorp Genetics (formerly Invitae), Labcorp
Classification: Likely pathogenic. Last evaluated: 2021-08-25. Review status: criteria provided, single submitter. Criteria: Invitae Variant Classification Sherloc (09022015). Collection method: clinical testing. Allele origin: germline.
Comment: This sequence change replaces glycine with valine at codon 116 of the SLC26A4 protein (p.Gly116Val). The glycine residue is highly conserved and there is a moderate physicochemical difference between glycine and valine. This variant is not present in population databases (ExAC no frequency). This variant has been observed in individual(s) with deafness (PMID: 22903915). Advanced modeling of protein sequence and biophysical properties (such as structural, functional, and spatial information, amino acid conservation, physicochemical variation, residue mobility, and thermodynamic stability) performed at Invitae indicates that this missense variant is expected to disrupt SLC26A4 protein function. This variant disrupts the p.Gly116 amino acid residue in SLC26A4. Other variant(s) that disrupt this residue have been observed in individuals with SLC26A4-related conditions (PMID: 25372295, 29871349, 32279305), which suggests that this may be a clinically significant amino acid residue. In summary, the currently available evidence indicates that the variant is pathogenic, but additional data are needed to prove that conclusively. Therefore, this variant has been classified as Likely Pathogenic.

Genetics Research Center, University of Social Welfare and Rehabilitation Sciences
Classification: Likely pathogenic for Autosomal recessive nonsyndromic hearing loss 4. Review status: criteria provided, single submitter. Criteria: ACMG Guidelines, 2015. Collection method: research. Allele origin: germline. Affected: yes.
Comment: The variant is not present in the gnomAD v2.1.1 dataset and has been previously reported in individual(s) affected with SLC26A4-related hearing loss (PMID: 26445815‚ 22903915). Other variants (p.Gly116Ser and p.Gly116Asp) that disrupt this residue have been observed in individuals with SLC26A4-related conditions (PMID: 25372295, 29871349, 32279305). The variant is predicted to be damaging by multiple in-silico tools.

Literature cited by the submitters: PubMed 26445815 (cited by Women's Health and Genetics/Laboratory Corporation of America, LabCorp and Genetics Research Center, University of Social Welfare and Rehabilitation Sciences); PubMed 22903915 (cited by 3 submitters); PubMed 25372295 (cited by Labcorp Genetics (formerly Invitae), Labcorp and Genetics Research Center, University of Social Welfare and Rehabilitation Sciences); PubMed 29871349 (cited by Labcorp Genetics (formerly Invitae), Labcorp and Genetics Research Center, University of Social Welfare and Rehabilitation Sciences); PubMed 32279305 (cited by Labcorp Genetics (formerly Invitae), Labcorp and Genetics Research Center, University of Social Welfare and Rehabilitation Sciences).

NM_000441.2(SLC26A4):c.347G>T (p.Gly116Val)

Gene: SLC26A4 (solute carrier family 26 member 4; plus strand). Cytogenetic location: 7q22.3.
Variant type: single nucleotide variant.
Coding change: c.347G>T on transcript NM_000441.2 (MANE Select); coding-DNA position 347, G replaced by T.
Protein change: p.Gly116Val; replaces glycine 116 with valine.
Molecular consequence: missense variant.
Genome position (GRCh38, 1-based): chr7:107,672,180, G>T. VCF-style: chr7-107672180-G-T. GRCh37 (hg19) VCF-style: chr7-107312625-G-T.
Other names: short protein forms G116V.
Identifiers: ClinVar variation 1346580 (VCV001346580.13), dbSNP rs2129311246, ClinGen allele CA368847042.